The following is an entry in ClinVar:

NM_005853.6(IRX5):c.867_872del (p.His290_Tyr291del)

Gene: IRX5 (iroquois homeobox 5; plus strand). Cytogenetic location: 16q12.2.
Variant type: Deletion.
Coding change: c.867_872del on transcript NM_005853.6 (MANE Select); coding-DNA positions 867 to 872, 6 bases deleted (TCACTA; older notation c.867_872delTCACTA).
Protein change: p.His290_Tyr291del.
Molecular consequence: inframe deletion.
Genome position (GRCh38, 1-based): chr16:54,933,288-54,933,293, TCACTA deleted. VCF-style (leftmost placement, unchanged base first): chr16-54933287-CTCACTA-C. GRCh37 (hg19) VCF-style: chr16-54967199-CTCACTA-C.
Other names: c.864_869del, p.His289_Tyr290del (NM_001252197.1).
Identifiers: ClinVar variation 4884298 (VCV004884298.1).

ClinVar aggregate classification (germline): Uncertain significance (1 of 4 stars; one submission).

Conditions:
Fetal anomalies with a likely genetic cause.

Submission:

Genetics Laboratory, Great Ormond Street Hospital NHS Foundation Trust, North Thames Genomic Laboratory Hub
Classification: Uncertain significance for Fetal anomalies with a likely genetic cause. Last evaluated: 2026-06-11. Review status: criteria provided, single submitter. Criteria: ACGS Best Practice Guidelines for Variant Classification in Rare Disease 2024 v1.2. Collection method: clinical testing. Allele origin: germline. Affected: yes.
Comment: PM2_moderate, PM4_moderate